The following is an entry in ClinVar:

NM_000051.4(ATM):c.681dup (p.Gly228fs)

Gene: ATM (ATM serine/threonine kinase; plus strand). Cytogenetic location: 11q22.3.
Variant type: Duplication.
Coding change: c.681dup on transcript NM_000051.4 (MANE Select); coding-DNA position 681, one base duplicated (A; older notation c.681dupA).
Protein change: p.Gly228fs; shifts the reading frame from glycine 228.
Molecular consequence: frameshift variant.
Genome position (GRCh38, 1-based): chr11:108,244,806, A duplicated. VCF-style (leftmost placement, unchanged base first): chr11-108244805-C-CA. GRCh37 (hg19) VCF-style: chr11-108115532-C-CA.
Other names: c.681dupA (NM_000051.3, NM_000051.4); c.681dup, p.Gly228fs (NM_001351834.2); short protein forms G228fs.
Identifiers: ClinVar variation 651194 (VCV000651194.11), dbSNP rs1591503359, ClinGen allele CA915947723.
Genomic context (GRCh38, chr11:108,244,805, plus strand): 5'-TTCCCCCTGTTATACCCAGTTGAGCTTGTTTGTTTCTTCACAGACAAGAAAAGAGCTCTT[C>CA]AGGTCTAAATCATATCTTAGCAGCTCTTACTATCTTCCTCAAGACTTTGGCTGTCAACTT-3'

ClinVar aggregate classification (germline): Pathogenic. Review status: criteria provided, multiple submitters, no conflicts (2 of 4 stars). 4 submissions from 4 submitters: Pathogenic (4). Last evaluated 2025-11-16.

Conditions:
Hereditary cancer-predisposing syndrome. Also called: Hereditary Cancer Syndrome; Tumor predisposition; Neoplastic Syndromes, Hereditary; Hereditary neoplastic syndrome. Identifiers: Orphanet 140162, MedGen C0027672, MeSH D009386, MONDO:0015356.
Familial cancer of breast. Also called: hereditary breast carcinoma; BREAST CANCER, FAMILIAL; Hereditary breast cancer. Identifiers: Orphanet 227535, MedGen C0346153, MONDO:0016419, OMIM 114480. Disease mechanism: loss of function.
Ataxia-telangiectasia syndrome (AT). Also called: ATAXIA-TELANGIECTASIA, FRESNO VARIANT; Ataxia-telangiectasia, complementation group E; Ataxia telangiectasia (A-T); Cerebello-oculocutaneous telangiectasia; Immunodeficiency with ataxia telangiectasia; LOUIS-BAR SYNDROME. Identifiers: Orphanet 100, MedGen C0004135, MONDO:0008840, OMIM 208900.

Submissions (4):

Labcorp Genetics (formerly Invitae), Labcorp
Classification: Pathogenic for Ataxia-telangiectasia syndrome. Last evaluated: 2025-11-16. Review status: criteria provided, single submitter. Criteria: Invitae Variant Classification Sherloc (09022015). Collection method: clinical testing. Allele origin: germline.
Comment: This sequence change creates a premature translational stop signal (p.Gly228Argfs*26) in the ATM gene. It is expected to result in an absent or disrupted protein product. Loss-of-function variants in ATM are known to be pathogenic (PMID: 23807571, 25614872). This variant is not present in population databases (gnomAD no frequency). This variant has not been reported in the literature in individuals affected with ATM-related conditions. ClinVar contains an entry for this variant (Variation ID: 651194). For these reasons, this variant has been classified as Pathogenic.

Ambry Genetics
Classification: Pathogenic for Hereditary cancer-predisposing syndrome. Last evaluated: 2024-10-31. Review status: criteria provided, single submitter. Criteria: Ambry Variant Classification Scheme 2023. Collection method: clinical testing. Allele origin: germline.
Comment: The c.681dupA pathogenic mutation, located in coding exon 6 of the ATM gene, results from a duplication of A at nucleotide position 681, causing a translational frameshift with a predicted alternate stop codon (p.G228Rfs*26). This variant was detected in 1/5589 German BRCA1/2-negative probands with breast cancer (Hauke J et al. Cancer Med, 2018 Apr;7:1349-1358). This variant is considered to be rare based on population cohorts in the Genome Aggregation Database (gnomAD). This alteration is expected to result in loss of function by premature protein truncation or nonsense-mediated mRNA decay. As such, this alteration is interpreted as a disease-causing mutation.

Myriad Genetics, Inc.
Classification: Pathogenic for Familial cancer of breast. Last evaluated: 2024-01-09. Review status: criteria provided, single submitter. Criteria: Myriad Autosomal Dominant, Autosomal Recessive and X-Linked Classification Criteria (2023). Collection method: clinical testing. Allele origin: unknown.
Comment: This variant is considered pathogenic. This variant creates a frameshift predicted to result in premature protein truncation.

Women's Health and Genetics/Laboratory Corporation of America, LabCorp
Classification: Pathogenic for Ataxia-telangiectasia syndrome. Last evaluated: 2023-11-02. Review status: criteria provided, single submitter. Criteria: LabCorp Variant Classification Summary - May 2015. Collection method: clinical testing. Allele origin: germline.
Comment: Variant summary: ATM c.681dupA (p.Gly228ArgfsX26) results in a premature termination codon, predicted to cause a truncation of the encoded protein or absence of the protein due to nonsense mediated decay, which are commonly known mechanisms for disease. Variants downstream of this position have been classified as pathogenic by our laboratory. The variant was absent in 251126 control chromosomes (gnomAD). To our knowledge, no occurrence of c.681dupA in individuals affected with Ataxia-Telangiectasia and no experimental evidence demonstrating its impact on protein function have been reported. One submitter has cited clinical-significance assessments for this variant to ClinVar after 2014 and has classified the variant as pathogenic. Based on the evidence outlined above, the variant was classified as pathogenic.

Literature cited by the submitters: PubMed 23807571 (cited by Labcorp Genetics (formerly Invitae), Labcorp); PubMed 25614872 (cited by Labcorp Genetics (formerly Invitae), Labcorp); PubMed 29522266 (cited by Ambry Genetics).